The following is an entry in ClinVar:

NM_000352.6(ABCC8):c.1571C>T (p.Thr524Met)

Gene: ABCC8 (ATP binding cassette subfamily C member 8; minus strand). Cytogenetic location: 11p15.1.
Variant type: single nucleotide variant.
Coding change: c.1571C>T on transcript NM_000352.6 (MANE Select); coding-DNA position 1571, C replaced by T.
Protein change: p.Thr524Met; replaces threonine 524 with methionine.
Molecular consequence: missense variant. On other transcripts: non-coding transcript variant (1).
Genome position (GRCh38, 1-based): chr11:17,442,779, G>A on the plus strand (C>T on the coding strand, the complement: ABCC8 is on the minus strand). VCF-style: chr11-17442779-G-A. GRCh37 (hg19) VCF-style: chr11-17464326-G-A.
Other names: c.1571C>T, p.Thr524Met (NM_001287174.3, NM_001351295.2); c.1568C>T, p.Thr523Met (NM_001351296.2, NM_001351297.2); c.1571C>T (NM_000352.3); short protein forms T523M, T524M.
Identifiers: ClinVar variation 2502195 (VCV002502195.4), dbSNP rs765028814, ClinGen allele CA5903525.

ClinVar aggregate classification (germline): Uncertain significance. Review status: criteria provided, multiple submitters, no conflicts (2 of 4 stars). 3 submissions from 3 submitters: Uncertain significance (3). Last evaluated 2025-05-15.

Conditions:
Hyperinsulinemic hypoglycemia, familial, 1 (HHF1). Also called: NESIDIOBLASTOSIS OF PANCREAS; HYPERINSULINISM, FAMILIAL, WITH PANCREATIC NESIDIOBLASTOSIS; HYPOGLYCEMIA, HYPERINSULINEMIC, OF INFANCY; Persistent hyperinsulinemic hypoglycemia of infancy; Persistent Hyperinsulinemia Hypoglycemia of Infancy. Identifiers: Orphanet 276575, Orphanet 276598, MedGen C2931832, MONDO:0009734, OMIM 256450.

Allele frequency attached by ClinVar (database versions not stated): gnomAD 0.00002; gnomAD exomes 0.00002; ExAC 0.00003.
gnomAD v4.1: 33 of 1,613,902 alleles (0.002%); highest among the groups gnomAD compares: East Asian, 0.016%; no homozygotes.

Submissions (3):

Labcorp Genetics (formerly Invitae), Labcorp
Classification: Uncertain significance. Last evaluated: 2025-05-15. Review status: criteria provided, single submitter. Criteria: Invitae Variant Classification Sherloc (09022015). Collection method: clinical testing. Allele origin: germline.
Comment: This sequence change replaces threonine, which is neutral and polar, with methionine, which is neutral and non-polar, at codon 524 of the ABCC8 protein (p.Thr524Met). This variant is present in population databases (rs765028814, gnomAD 0.01%). This missense change has been observed in individual(s) with early onset diabetes (PMID: 33300273). ClinVar contains an entry for this variant (Variation ID: 2502195). Invitae Evidence Modeling of protein sequence and biophysical properties (such as structural, functional, and spatial information, amino acid conservation, physicochemical variation, residue mobility, and thermodynamic stability) indicates that this missense variant is not expected to disrupt ABCC8 protein function with a negative predictive value of 95%. In summary, the available evidence is currently insufficient to determine the role of this variant in disease. Therefore, it has been classified as a Variant of Uncertain Significance.

GeneDx
Classification: Uncertain significance. Last evaluated: 2025-03-11. Review status: criteria provided, single submitter. Criteria: GeneDx Variant Classification Process June 2021. Collection method: clinical testing. Allele origin: germline. Affected: yes.
Comment: Reported in patients with early onset diabetes in published literature (PMID: 33300273); In silico analysis indicates that this missense variant does not alter protein structure/function; This variant is associated with the following publications: (PMID: 33300273)

New York Genome Center
Classification: Uncertain significance for Hyperinsulinemic hypoglycemia, familial, 1; Type 2 diabetes mellitus. Last evaluated: 2022-07-19. Review status: criteria provided, single submitter. Criteria: NYGC Assertion Criteria 2020. Collection method: clinical testing. Allele origin: germline. Observed: 1 heterozygote.
Comment: The c.1571C>T p.(Thr524Met) variant identified in the ABCC8 gene substitutes a weakly conserved Threonine for Methionine at amino acid 524/1582 (exon 10/39). There is a Methionine present at this position in other mammalian species. This variant is found with low frequency in population databases gnomADv2.1.1, gnomADv3.1.2, TopMed Freeze 8, All of Us (allele frequency: 4.00e-5) suggesting it is not a common benign variant in the populations represented in those databases. In silico algorithms predict this variant will not have a damaging effect to the function of the canonical transcript (REVEL;score=0.335). This variant is absent from ClinVar and has been reported in an individual in the literature with Type II Diabetes, though with uncertain clinical correlation [PMID:33300273]. Given the lack of compelling evidence for its pathogenicity, the c.1571C>T p.(Thr524Met) variant identified in the ABCC8 gene is reported as a Variant of Uncertain Significance.

Literature cited by the submitters: PubMed 33300273 (cited by Labcorp Genetics (formerly Invitae), Labcorp).